The following is an entry in ClinVar:

ClinVar aggregate classification (germline): Uncertain significance (1 of 4 stars; one submission).

Conditions:
Ataxia-telangiectasia syndrome (AT). Also called: Cerebello-oculocutaneous telangiectasia; Immunodeficiency with ataxia telangiectasia; LOUIS-BAR SYNDROME; AT, COMPLEMENTATION GROUP C; ATAXIA-TELANGIECTASIA, COMPLEMENTATION GROUP A; ATAXIA-TELANGIECTASIA, FRESNO VARIANT. Identifiers: Orphanet 100, MedGen C0004135, MONDO:0008840, OMIM 208900.

Submission:

Labcorp Genetics (formerly Invitae), Labcorp
Classification: Uncertain significance for Ataxia-telangiectasia syndrome. Last evaluated: 2024-07-01. Review status: criteria provided, single submitter. Criteria: Invitae Variant Classification Sherloc (09022015). Collection method: clinical testing. Allele origin: germline.
Comment: This sequence change replaces threonine, which is neutral and polar, with alanine, which is neutral and non-polar, at codon 1100 of the ATM protein (p.Thr1100Ala). This variant is not present in population databases (gnomAD no frequency). This variant has not been reported in the literature in individuals affected with ATM-related conditions. ClinVar contains an entry for this variant (Variation ID: 940386). An algorithm developed to predict the effect of missense changes on protein structure and function (PolyPhen-2) suggests that this variant is likely to be tolerated. In summary, the available evidence is currently insufficient to determine the role of this variant in disease. Therefore, it has been classified as a Variant of Uncertain Significance.

NM_000051.4(ATM):c.3298A>G (p.Thr1100Ala)

Gene: ATM (ATM serine/threonine kinase; plus strand). Cytogenetic location: 11q22.3.
Variant type: single nucleotide variant.
Coding change: c.3298A>G on transcript NM_000051.4 (MANE Select); coding-DNA position 3298, A replaced by G.
Protein change: p.Thr1100Ala; replaces threonine 1100 with alanine.
Molecular consequence: missense variant.
Genome position (GRCh38, 1-based): chr11:108,279,504, A>G. VCF-style: chr11-108279504-A-G. GRCh37 (hg19) VCF-style: chr11-108150231-A-G.
Other names: c.3298A>G, p.Thr1100Ala (NM_001351834.2); short protein forms T1100A.
Identifiers: ClinVar variation 940386 (VCV000940386.7), dbSNP rs2082115524, ClinGen allele CA382517323.